The following is an entry in ClinVar:

ClinVar aggregate classification (germline): Pathogenic (1 of 4 stars; one submission).

Submission:

Labcorp Genetics (formerly Invitae), Labcorp
Classification: Pathogenic. Last evaluated: 2025-05-16. Review status: criteria provided, single submitter. Criteria: Invitae Variant Classification Sherloc (09022015). Collection method: clinical testing. Allele origin: germline.
Comment: This sequence change creates a premature translational stop signal (p.Glu2211Glyfs*11) in the NBAS gene. It is expected to result in an absent or disrupted protein product. Loss-of-function variants in NBAS are known to be pathogenic (PMID: 26073778, 26541327, 27789416, 28031453). This variant is present in population databases (rs764363809, gnomAD no frequency). This variant has not been reported in the literature in individuals affected with NBAS-related conditions. For these reasons, this variant has been classified as Pathogenic.

Literature cited by the submitters: PubMed 26073778; PubMed 26541327; PubMed 27789416; PubMed 28031453.

NM_015909.4(NBAS):c.6632del (p.Glu2211fs)

Gene: NBAS (NBAS subunit of NRZ tethering complex; minus strand). Cytogenetic location: 2p24.3.
Variant type: Deletion.
Coding change: c.6632del on transcript NM_015909.4 (MANE Select); coding-DNA position 6632, one base deleted (A; older notation c.6632delA).
Protein change: p.Glu2211fs; shifts the reading frame from glutamic acid 2211.
Molecular consequence: frameshift variant. On other transcripts: non-coding transcript variant (1).
Genome position (GRCh38, 1-based): chr2:15,186,821, T deleted on the plus strand (A on the coding strand, the reverse complement: NBAS is on the minus strand). VCF-style (leftmost placement, unchanged base first): chr2-15186820-CT-C. GRCh37 (hg19) VCF-style: chr2-15326944-CT-C.
Other names: short protein forms E2211fs.
Identifiers: ClinVar variation 4748201 (VCV004748201.1).